The following is an entry in ClinVar:

NM_005909.5(MAP1B):c.2253A>G (p.Lys751=)

Gene: MAP1B (microtubule associated protein 1B; plus strand). Cytogenetic location: 5q13.2.
Variant type: single nucleotide variant.
Coding change: c.2253A>G on transcript NM_005909.5 (MANE Select); coding-DNA position 2253, A replaced by G.
Protein change: p.Lys751=; no amino-acid change (lysine 751 retained).
Molecular consequence: synonymous variant.
Genome position (GRCh38, 1-based): chr5:72,195,608, A>G. VCF-style: chr5-72195608-A-G. GRCh37 (hg19) VCF-style: chr5-71491435-A-G.
Other names: c.1875A>G, p.Lys625= (NM_001324255.2); c.2253A>G (NM_005909.4).
Identifiers: ClinVar variation 2655513 (VCV002655513.25), dbSNP rs145701299, ClinGen allele CA3298797.
Genomic context (GRCh38, chr5:72,195,608, plus strand): 5'-AATTAAGAAGCTCCCTAAAGACGCAAAGAAATCATCTACTCCTCTGTCTGAAGCAAAAAA[A>G]CCAGCTGCTTTAAAACCAAAAGTACCCAAGAAGGAAGAGTCTGTCAAGAAAGATTCTGTT-3'
Protein context (NP_005900.2, residues 741-761): KSSTPLSEAK[Lys751=]PAALKPKVPK

ClinVar aggregate classification (germline): Likely benign. Review status: criteria provided, single submitter (1 of 4 stars). 2 submissions from 2 submitters: Likely benign (1). 1 of the submissions does not count toward it. Last evaluated 2022-10-01.

Conditions:
MAP1B-related disorder. Also called: MAP1B-related condition.

Allele frequency attached by ClinVar (database versions not stated): gnomAD 0.00004; ExAC 0.00005; TOPMed 0.00008; gnomAD exomes 0.00011; ESP Exome Variant Server 0.00023.
gnomAD v4.1: 167 of 1,614,120 alleles (0.01%); highest among the groups gnomAD compares: Non-Finnish European, 0.013%; no homozygotes.

Submissions (2):

CeGaT Center for Human Genetics Tuebingen
Classification: Likely benign. Last evaluated: 2022-10-01. Review status: criteria provided, single submitter. Criteria: CeGaT Center For Human Genetics Tuebingen Variant Classification Criteria Version 2. Collection method: clinical testing. Allele origin: germline. Affected: yes. Observed: 1 variant allele.
Comment: MAP1B: BP4, BP7

PreventionGenetics, part of Exact Sciences
Classification: Likely benign for MAP1B-related condition. Last evaluated: 2020-10-21. Review status: no assertion criteria provided. Collection method: clinical testing. Allele origin: germline. Not counted in ClinVar's aggregate classification.
Comment: This variant is classified as likely benign based on ACMG/AMP sequence variant interpretation guidelines (Richards et al. 2015 PMID: 25741868, with internal and published modifications).